The following is an entry in ClinVar:

NM_078480.3(PUF60):c.1426G>A (p.Asp476Asn)

Gene: PUF60 (poly(U) binding splicing factor 60; minus strand). Cytogenetic location: 8q24.3.
Variant type: single nucleotide variant.
Coding change: c.1426G>A on transcript NM_078480.3 (MANE Select); coding-DNA position 1426, G replaced by A.
Protein change: p.Asp476Asn; replaces aspartic acid 476 with asparagine.
Molecular consequence: missense variant.
Genome position (GRCh38, 1-based): chr8:143,816,774, C>T on the plus strand (G>A on the coding strand, the complement: PUF60 is on the minus strand). VCF-style: chr8-143816774-C-T. GRCh37 (hg19) VCF-style: chr8-144898944-C-T.
Other names: c.1423G>A, p.Asp475Asn (NM_001271098.2); c.1339G>A, p.Asp447Asn (NM_001271099.2); c.1246G>A, p.Asp416Asn (NM_001271100.2); c.1537G>A, p.Asp513Asn (NM_001362895.2, NM_001362896.2); c.1486G>A, p.Asp496Asn (NM_001362897.2); c.1375G>A, p.Asp459Asn (NM_014281.5); c.1297G>A, p.Asp433Asn (NM_001136033.3); c.1372G>A, p.Asp458Asn (NM_001271096.2); and 1 more; short protein forms D416N, D430N, D433N, D447N, D458N, D459N, D475N, D476N.
Identifiers: ClinVar variation 4538052 (VCV004538052.1).

ClinVar aggregate classification (germline): Uncertain significance (1 of 4 stars; one submission).

Submission:

GeneDx
Classification: Uncertain significance. Last evaluated: 2025-06-11. Review status: criteria provided, single submitter. Criteria: GeneDx Variant Classification Process June 2021. Collection method: clinical testing. Allele origin: germline. Affected: yes.
Comment: Not observed at significant frequency in large population cohorts (gnomAD); In silico analysis supports that this missense variant has a deleterious effect on protein structure/function; Has not been previously published as pathogenic or benign to our knowledge